The following is an entry in ClinVar:

ClinVar aggregate classification (germline): Uncertain significance (1 of 4 stars; one submission).

Conditions:
Hereditary sensory and autonomic neuropathy type 1 (HSAN1). Also called: HSAN 1; HSN Type I; Hereditary Sensory Neuropathy Type I. Identifiers: Orphanet 36386, MedGen C0020071, MONDO:0018213.

Submission:

Labcorp Genetics (formerly Invitae), Labcorp
Classification: Uncertain significance for Hereditary sensory and autonomic neuropathy type 1. Last evaluated: 2025-09-03. Review status: criteria provided, single submitter. Criteria: Invitae Variant Classification Sherloc (09022015). Collection method: clinical testing. Allele origin: germline.
Comment: This sequence change replaces glutamic acid, which is acidic and polar, with lysine, which is basic and polar, at codon 388 of the SPTLC1 protein (p.Glu388Lys). This variant is not present in population databases (gnomAD no frequency). This variant has not been reported in the literature in individuals affected with SPTLC1-related conditions. Invitae Evidence Modeling of protein sequence and biophysical properties (such as structural, functional, and spatial information, amino acid conservation, physicochemical variation, residue mobility, and thermodynamic stability) indicates that this missense variant is not expected to disrupt SPTLC1 protein function with a negative predictive value of 80%. In summary, the available evidence is currently insufficient to determine the role of this variant in disease. Therefore, it has been classified as a Variant of Uncertain Significance.

NM_006415.4(SPTLC1):c.1162G>A (p.Glu388Lys)

Gene: SPTLC1 (serine palmitoyltransferase long chain base subunit 1; minus strand). Cytogenetic location: 9q22.31.
Variant type: single nucleotide variant.
Coding change: c.1162G>A on transcript NM_006415.4 (MANE Select); coding-DNA position 1162, G replaced by A.
Protein change: p.Glu388Lys; replaces glutamic acid 388 with lysine.
Molecular consequence: missense variant.
Genome position (GRCh38, 1-based): chr9:92,038,340, C>T on the plus strand (G>A on the coding strand, the complement: SPTLC1 is on the minus strand). VCF-style: chr9-92038340-C-T. GRCh37 (hg19) VCF-style: chr9-94800622-C-T.
Other names: c.1162G>A, p.Glu388Lys (NM_001281303.2); c.796G>A, p.Glu266Lys (NM_001368272.1); c.697G>A, p.Glu233Lys (NM_001368273.1); short protein forms E388K, E233K, E266K.
Identifiers: ClinVar variation 4761521 (VCV004761521.1).
Genomic context (GRCh38, chr9:92,038,340, plus strand): 5'-CTTGCTCGCGAGACCCAGTGCTCTCTTCCAGTTGTAGGTGAAAGGCTGGAGAAAGGGACT[C>T]CCCCACCACTTTTAATCCAGAAATGCTGAAGAAGGGAAACACACACACAGCTGTAAGTCC-3'
Protein context (NP_006406.1, residues 378-398): QGISGLKVVG[Glu388Lys]SLSPAFHLQL